The following is an entry in ClinVar:

ClinVar aggregate classification (germline): Uncertain significance. Review status: criteria provided, multiple submitters, no conflicts (2 of 4 stars). 2 submissions from 2 submitters: Uncertain significance (2). Last evaluated 2025-02-17.

Conditions:
Legius syndrome. Identifiers: Orphanet 137605, MedGen C1969623, MONDO:0012669, OMIM 611431. Disease mechanism: loss of function.
Cardiovascular phenotype. Identifiers: MedGen CN230736.

Allele frequency attached by ClinVar (database versions not stated): TOPMed 0.00001.

Submissions (2):

Ambry Genetics
Classification: Uncertain significance for Cardiovascular phenotype. Last evaluated: 2025-02-17. Review status: criteria provided, single submitter. Criteria: Ambry Variant Classification Scheme 2023. Collection method: clinical testing. Allele origin: germline.
Comment: The p.S170G variant (also known as c.508A>G), located in coding exon 5 of the SPRED1 gene, results from an A to G substitution at nucleotide position 508. The serine at codon 170 is replaced by glycine, an amino acid with similar properties. This amino acid position is conserved. In addition, this alteration is predicted to be tolerated by in silico analysis. Based on the available evidence, the clinical significance of this variant remains unclear.

Labcorp Genetics (formerly Invitae), Labcorp
Classification: Uncertain significance for Legius syndrome. Last evaluated: 2023-03-10. Review status: criteria provided, single submitter. Criteria: Invitae Variant Classification Sherloc (09022015). Collection method: clinical testing. Allele origin: germline.
Comment: In summary, the available evidence is currently insufficient to determine the role of this variant in disease. Therefore, it has been classified as a Variant of Uncertain Significance. Advanced modeling of protein sequence and biophysical properties (such as structural, functional, and spatial information, amino acid conservation, physicochemical variation, residue mobility, and thermodynamic stability) performed at Invitae indicates that this missense variant is not expected to disrupt SPRED1 protein function. This variant has not been reported in the literature in individuals affected with SPRED1-related conditions. This variant is not present in population databases (gnomAD no frequency). This sequence change replaces serine, which is neutral and polar, with glycine, which is neutral and non-polar, at codon 170 of the SPRED1 protein (p.Ser170Gly).

NM_152594.3(SPRED1):c.508A>G (p.Ser170Gly)

Gene: SPRED1 (sprouty related EVH1 domain containing 1; plus strand). Cytogenetic location: 15q14.
Variant type: single nucleotide variant.
Coding change: c.508A>G on transcript NM_152594.3 (MANE Select); coding-DNA position 508, A replaced by G.
Protein change: p.Ser170Gly; replaces serine 170 with glycine.
Molecular consequence: missense variant.
Genome position (GRCh38, 1-based): chr15:38,339,821, A>G. VCF-style: chr15-38339821-A-G. GRCh37 (hg19) VCF-style: chr15-38632022-A-G.
Other names: c.508A>G (NM_152594.2); short protein forms S170G.
Identifiers: ClinVar variation 2737840 (VCV002737840.4), dbSNP rs1895994444, ClinGen allele CA391932586.